The following is an entry in ClinVar:

NM_001164760.2(PRKAR1B):c.1028G>T (p.Gly343Val)

Gene: PRKAR1B (protein kinase cAMP-dependent type I regulatory subunit beta; minus strand). Cytogenetic location: 7p22.3.
Variant type: single nucleotide variant.
Coding change: c.1028G>T on transcript NM_001164760.2 (MANE Select); coding-DNA position 1028, G replaced by T.
Protein change: p.Gly343Val; replaces glycine 343 with valine.
Molecular consequence: missense variant.
Genome position (GRCh38, 1-based): chr7:550,548, C>A on the plus strand (G>T on the coding strand, the complement: PRKAR1B is on the minus strand). VCF-style: chr7-550548-C-A. GRCh37 (hg19) VCF-style: chr7-590185-C-A.
Other names: c.1028G>T, p.Gly343Val (NM_001164758.2, NM_001164759.1, NM_001164761.2 and 2 more transcripts); short protein forms G343V.
Identifiers: ClinVar variation 4686357 (VCV004686357.1).

ClinVar aggregate classification (germline): Uncertain significance (1 of 4 stars; one submission).

Submission:

GeneDx
Classification: Uncertain significance. Last evaluated: 2025-07-13. Review status: criteria provided, single submitter. Criteria: GeneDx Variant Classification Process June 2021. Collection method: clinical testing. Allele origin: germline. Affected: yes.
Comment: Not observed at significant frequency in large population cohorts (gnomAD); In silico analysis supports that this missense variant has a deleterious effect on protein structure/function; Has not been previously published as pathogenic or benign to our knowledge